The following continues an entry in ClinVar:

NM_000179.3(MSH6):c.1822A>G (p.Ile608Val)

Gene: MSH6. ClinVar aggregate classification (germline): Conflicting classifications of pathogenicity. Uncertain significance (11); Likely benign (2).

Submissions 11 to 14 of 14:

Women's Health and Genetics/Laboratory Corporation of America, LabCorp
Classification: Uncertain significance. Last evaluated: 2023-01-16. Review status: criteria provided, single submitter. Criteria: LabCorp Variant Classification Summary - May 2015. Collection method: clinical testing. Allele origin: germline.
Comment: Variant summary: MSH6 c.1822A>G (p.Ile608Val) results in a conservative amino acid change located in the DNA mismatch repair protein MutS, connector domain (IPR007860) of the encoded protein sequence. Four of five in-silico tools predict a benign effect of the variant on protein function. The variant allele was found at a frequency of 2.4e-05 in 250564 control chromosomes. The available data on variant occurrences in the general population are insufficient to allow any conclusion about variant significance. c.1822A>G has been reported in the literature with conflicting interpretations of pathogenicity ranging from VUS in settings of multigene panel testing for colorectal cancer (example, Yurgelun_2015) to a re-classification as Likely Benign based on patient-driven family studies using quantitative co-segregation likelihood ratios and a unified framework for Bayesian analysis with ACMG/AMP criteria (example, Tsai_2019). Additionally, the variant was identified in a healthy control case in a study assessing colorectal cancer or polyps cases (Rosenthal_2018) and was also identified in a case from The Cancer Genome Atlas database, however no additional information was provided (Yehia_2018). These report(s) do not provide unequivocal conclusions about association of the variant with Hereditary Nonpolyposis Colorectal Cancer/Lynch syndrome. To our knowledge, no experimental evidence demonstrating an impact on protein function has been reported. Six clinical diagnostic laboratories have submitted clinical-significance assessments for this variant to ClinVar after 2014 without evidence for independent evaluation (Likely Benign, n=1; VUS, n=5). Based on the evidence outlined above, the variant was classified as VUS-possibly benign.

Sema4
Classification: Uncertain significance for Hereditary cancer-predisposing syndrome. Last evaluated: 2021-09-16. Review status: criteria provided, single submitter. Criteria: Sema4 Curation Guidelines. Collection method: curation. Allele origin: germline.
Comment: The MSH6 c.1822A>G (p.I608V) variant has been reported in heterozygosity in at least one individual with Lynch Syndrome associated cancer and/or colorectal polyps (PMID: 25980754) and in individuals undergoing testing for genetic variants with no known cancers (PMID: 30374176, 34172528). It has been reported in 1/60,466 breast cancer cases and 1/53,461 healthy controls by a large case-control study (PMID: 33471991). This variant was observed in 7/128860 chromosomes in the Non-Finnish European population according to the Genome Aggregation Database (PMID: 32461654). This variant has been reported in ClinVar (Variation ID 182626). Functional studies have not been performed, and in silico predictions of the variant's effect on protein function are inconclusive. The overall evidence is insufficient to meet ACMG/AMP criteria for classifying it as benign or pathogenic. In summary, the clinical significance of this variant is currently uncertain.

University of Washington Department of Laboratory Medicine, University of Washington
Classification: Likely benign for Lynch syndrome. Last evaluated: 2018-04-30. Review status: criteria provided, single submitter. Criteria: Tsai GJ et al. (Genet Med 2018). Collection method: research. Allele origin: germline. Inheritance: Autosomal dominant inheritance. Affected: no.
Comment: The MSH6 variant designated as NM_000179.2:c.1822A>G (p.Ile608Val) is classified as likely benign. Based on in-silico scores the variant has a prior probability of pathogenicity of 10% (Thompson et al., 2013, PMID:22949379). Cosegregation analysis of one observed family was performed using an online resource (RaÃ±ola et al, 2018, PMID:28965303). Analysis of one family gave a likelihood ratio of 0.34 to 1 that this allele explains cancer in the family (Thompson, et al., 2003, PMID:2900794). Bayesian analysis integrating all of this data (Tavtigian et al, 2018, PMID:29300386) gives about 1% probability of pathogenicity, which is consistent with a classification of likely benign. This variant is not predicted to alter MSH6 function or modify cancer risk for Lynch syndrome. This analysis was performed in conjunction with the family studies project as part of the University of Washington Find My Variant Study.

Department of Pathology and Laboratory Medicine, Sinai Health System
Classification: Uncertain significance for Lynch syndrome. Review status: no assertion criteria provided. Collection method: clinical testing. Allele origin: unknown. Affected: yes. Study: The Canadian Open Genetics Repository (COGR). Not counted in ClinVar's aggregate classification.
Comment: The MSH6 p.Ile608Val variant was identified in 1 of 2520 proband chromosomes (frequency: 0.0004) from individuals or families with Lynch syndrome-related cancer and/or colorectal polyps (Yurgelun 2015). In this study, the variant co-occurred with a pathogenic MUTYH variant (c.734G>A, p.Arg245His) in the affected individual. The variant was also identified in dbSNP (ID: rs201613780) as â€šÃ„ÃºWith Uncertain significance alleleâ€šÃ„Ã¹, ClinVar (classified as likely benign by University of Washington Dept. of Laboratory Medicine and as uncertain significance by GeneDx, Invitae, Ambry Genetics, Color and Integrated Genetics/Laboratory Corp. of America). The variant was not identified in UMD-LSDB. The variant was identified in control databases in 8 of 276892 chromosomes at a frequency of 0.00003 (Genome Aggregation Database Feb 27, 2017); observed in the following populations: European Non-Finnish in 7 of 126468 chromosomes (freq: 0.00006) and European Finnish in 1 of 25790 chromosomes (freq: 0.00004), while not observed in the African, Other, Latino, Ashkenazi Jewish, East Asian or South Asian populations. The p.Ile608 residue is not conserved in mammals and four out of five computational analyses (PolyPhen-2, SIFT, AlignGVGD, BLOSUM, MutationTaster) do not suggest a high likelihood the Val variant impacts the protein; however, this information is not predictive enough to rule out pathogenicity. The variant occurs outside of the splicing consensus sequence and in silico or computational prediction software programs (SpliceSiteFinder, MaxEntScan, NNSPLICE, GeneSplicer) do not predict a difference in splicing. In summary, based on the above information, the clinical significance of this variant cannot be determined with certainty at this time. This variant is classified as a variant of uncertain significance.

Literature cited by the submitters: PubMed 30267214 (cited by 4 submitters); PubMed 30374176 (cited by 3 submitters); PubMed 25980754 (cited by 7 submitters); PubMed 23621914 (cited by Quest Diagnostics Nichols Institute San Juan Capistrano and Women's Health and Genetics/Laboratory Corporation of America, LabCorp); PubMed 33471991 (cited by Quest Diagnostics Nichols Institute San Juan Capistrano and Sema4); PubMed 22949379 (cited by Quest Diagnostics Nichols Institute San Juan Capistrano); PubMed 29684080 (cited by 3 submitters).